The following is an entry in ClinVar:

ClinVar aggregate classification (germline): Conflicting classifications of pathogenicity. Review status: criteria provided, conflicting classifications (1 of 4 stars). 10 submissions from 10 submitters: Pathogenic (4); Likely pathogenic (5); Uncertain significance (1). Last evaluated 2026-03-02.

Conditions:
MC4R-related disorder. Also called: MC4R-related condition.
BODY MASS INDEX QUANTITATIVE TRAIT LOCUS 20 (BMIQ20). Also called: MELANOCORTIN 4 RECEPTOR DEFICIENCY; MC4R DEFICIENCY. Identifiers: MedGen C4759928, OMIM 618406.
Obesity due to melanocortin 4 receptor deficiency. Identifiers: Orphanet 71529, MedGen C4273958, MONDO:0019115.
Obesity. Also called: Obesity disorder. Identifiers: Orphanet 71529, MedGen C0028754, MeSH D009765, MONDO:0011122, HP:0001513.
Early onset severe obesity. Identifiers: MedGen C4013980.

Allele frequency attached by ClinVar (database versions not stated): ExAC 0.00001; gnomAD 0.00003 and 0.00004; TOPMed 0.00010; gnomAD exomes 0.00001 and 0.00002; ESP Exome Variant Server 0.00008.

Submissions (10):

PreventionGenetics, part of Exact Sciences
Classification: Pathogenic for MC4R-related condition. Last evaluated: 2026-03-02. Review status: criteria provided, single submitter. Criteria: ACMG Guidelines, 2015. Collection method: clinical testing. Allele origin: germline.
Comment: The MC4R c.896C>A variant is predicted to result in the amino acid substitution p.Pro299His. This variant has been reported in the heterozygous state in patients who presented with morbid obesity (Stutzmann et al. 2008. PubMed ID: 18559663; Lubrano-Berthelier et al. 2003. PubMed ID: 12499395). This variant has also been reported in the apparently homozygous state in a child who presented with severe early-onset obesity; although genetic testing was not reported for either parent, the family history was significant for obesity in both parents (Pillai et al. 2014. PubMed ID: 24426828). Furthermore, in vitro studies indicate that the p.Pro299His change results in intracellular retention of the MC4R receptor and therefore disruption of α-MSH activation (Lubrano-Berthelier et al. 2003. PubMed ID: 12499395; Roubert et al. 2010. PubMed ID: 20696697). This variant is reported in 0.0040% of alleles in individuals of African descent in gnomAD. In summary, we classify this variant as pathogenic.

GeneDx
Classification: Likely pathogenic. Last evaluated: 2025-08-14. Review status: criteria provided, single submitter. Criteria: GeneDx Variant Classification Process June 2021. Collection method: clinical testing. Allele origin: germline. Affected: yes.
Comment: Observed in the apparent homozygous state and also in the heterozygous state with a second MC4R variant, phase unknown, in patients with early-onset obesity in the literature and not observed in homozygous state in controls (PMID: 34694010, 24426828, 37814975); Identified in the heterozygous state in patients with early-onset obesity in the published literature (PMID: 12499395, 18559663, 38567654); Published functional studies demonstrate a damaging effect (PMID: 17357083); In silico analysis supports that this missense variant has a deleterious effect on protein structure/function; This variant is associated with the following publications: (PMID: 16752916, 17628007, 25332687, 18559663, 19091795, 31447099, 20826565, 34694010, 20696697, 37292813, 37953587, 37814975, 12499395, 38567654, 17357083, 24426828, 37601970)

Cambridge Genomics Laboratory, East Genomic Laboratory Hub, NHS Genomic Medicine Service
Classification: Likely pathogenic for Severe early-onset obesity. Last evaluated: 2024-12-02. Review status: criteria provided, single submitter. Criteria: ACGS Best Practice Guidelines for Variant Classification in Rare Disease 2020. Collection method: clinical testing. Allele origin: germline. Affected: yes.
Comment: PS3,PS4_Moderate,PM2,PP1_Moderate,PP3

Dubai Health Genomic Medicine Center, Dubai Health
Classification: Likely pathogenic for Obesity. Last evaluated: 2024-10-04. Review status: criteria provided, single submitter. Criteria: ACMG Guidelines, 2015. Collection method: research. Allele origin: germline. Affected: yes.
Comment: PS3,PM3,PM2,PP3

Labcorp Genetics (formerly Invitae), Labcorp
Classification: Uncertain significance. Last evaluated: 2024-04-09. Review status: criteria provided, single submitter. Criteria: Invitae Variant Classification Sherloc (09022015). Collection method: clinical testing. Allele origin: germline.
Comment: This sequence change replaces proline, which is neutral and non-polar, with histidine, which is basic and polar, at codon 299 of the MC4R protein (p.Pro299His). This variant is present in population databases (rs52804924, gnomAD 0.002%). This missense change has been observed in individual(s) with obesity (PMID: 12499395, 12851297, 18559663, 19091795, 24426828). ClinVar contains an entry for this variant (Variation ID: 36488). Advanced modeling of protein sequence and biophysical properties (such as structural, functional, and spatial information, amino acid conservation, physicochemical variation, residue mobility, and thermodynamic stability) has been performed at Invitae for this missense variant, however the output from this modeling did not meet the statistical confidence thresholds required to predict the impact of this variant on MC4R protein function. Experimental studies have shown that this missense change affects MC4R function (PMID: 16083993, 16752916, 20696697, 20826565, 25332687). In summary, the available evidence is currently insufficient to determine the role of this variant in disease. Therefore, it has been classified as a Variant of Uncertain Significance.

Blueprint Genetics
Classification: Pathogenic for MC4R-related disorders. Last evaluated: 2024-03-06. Review status: criteria provided, single submitter. Criteria: ACMG Guidelines, 2015. Collection method: clinical testing. Allele origin: germline. Affected: yes. Observed: 5 variant alleles.

Greenwood Genetic Center Diagnostic Laboratories, Greenwood Genetic Center
Classification: Likely pathogenic for BODY MASS INDEX QUANTITATIVE TRAIT LOCUS 20. Last evaluated: 2023-11-02. Review status: criteria provided, single submitter. Criteria: ACMG Guidelines, 2015. Collection method: clinical testing. Allele origin: germline. Affected: yes.
Comment: PS3, PM2

Fulgent Genetics
Classification: Pathogenic for BODY MASS INDEX QUANTITATIVE TRAIT LOCUS 20. Last evaluated: 2022-05-10. Review status: criteria provided, single submitter. Criteria: ACMG Guidelines, 2015. Collection method: clinical testing. Allele origin: unknown.

Laboratory for Molecular Medicine, Mass General Brigham Personalized Medicine
Classification: Likely pathogenic for Obesity due to melanocortin 4 receptor deficiency. Last evaluated: 2022-03-01. Review status: criteria provided, single submitter. Criteria: ACMG Guidelines, 2015. Collection method: clinical testing. Allele origin: germline. Inheritance: Autosomal dominant inheritance.
Comment: proposed classification - variant undergoing re-assessment, contact laboratory

Women's Health and Genetics/Laboratory Corporation of America, LabCorp
Classification: Pathogenic for Early Onset Obesity. Last evaluated: 2011-08-18. Review status: criteria provided, single submitter. Criteria: LabCorp Variant Classification Summary - May 2015. Collection method: curation, clinical testing. Allele origin: germline. Inheritance: autosomal dominant. Affected: yes. Observed: 12 variant alleles.
ClinVar note: Converted during submission from pathogenic to Pathogenic.

Literature cited by the submitters: PubMed 12499395 (cited by 3 submitters); PubMed 12851297 (cited by Labcorp Genetics (formerly Invitae), Labcorp and Women's Health and Genetics/Laboratory Corporation of America, LabCorp); PubMed 18559663 (cited by 3 submitters); PubMed 19091795 (cited by 3 submitters); PubMed 24426828 (cited by Labcorp Genetics (formerly Invitae), Labcorp and Laboratory for Molecular Medicine, Mass General Brigham Personalized Medicine); PubMed 16083993 (cited by Labcorp Genetics (formerly Invitae), Labcorp and Women's Health and Genetics/Laboratory Corporation of America, LabCorp); PubMed 16752916 (cited by 3 submitters); PubMed 20696697 (cited by Labcorp Genetics (formerly Invitae), Labcorp and Laboratory for Molecular Medicine, Mass General Brigham Personalized Medicine); PubMed 20826565 (cited by Labcorp Genetics (formerly Invitae), Labcorp and Laboratory for Molecular Medicine, Mass General Brigham Personalized Medicine); PubMed 25332687 (cited by Labcorp Genetics (formerly Invitae), Labcorp); PubMed 17357083 (cited by Laboratory for Molecular Medicine, Mass General Brigham Personalized Medicine and Women's Health and Genetics/Laboratory Corporation of America, LabCorp); PubMed 16274851 (cited by Women's Health and Genetics/Laboratory Corporation of America, LabCorp); PubMed 12970296 (cited by Women's Health and Genetics/Laboratory Corporation of America, LabCorp); PubMed 16616374 (cited by Women's Health and Genetics/Laboratory Corporation of America, LabCorp); PubMed 18801902 (cited by Women's Health and Genetics/Laboratory Corporation of America, LabCorp).

NM_005912.3(MC4R):c.896C>A (p.Pro299His)

Gene: MC4R (melanocortin 4 receptor; minus strand). Cytogenetic location: 18q21.32.
Variant type: single nucleotide variant.
Coding change: c.896C>A on transcript NM_005912.3 (MANE Select); coding-DNA position 896, C replaced by A.
Protein change: p.Pro299His; replaces proline 299 with histidine.
Molecular consequence: missense variant.
Genome position (GRCh38, 1-based): chr18:60,371,454, G>T on the plus strand (C>A on the coding strand, the complement: MC4R is on the minus strand). VCF-style: chr18-60371454-G-T. GRCh37 (hg19) VCF-style: chr18-58038687-G-T.
Other names: short protein forms P299H.
Identifiers: ClinVar variation 36488 (VCV000036488.21), dbSNP rs52804924, ClinGen allele CA214149.